The following is an entry in ClinVar:

ClinVar aggregate classification (germline): Uncertain significance (1 of 4 stars; one submission).

Conditions:
Joubert syndrome 21 (JBTS21). Identifiers: MedGen C3810212, MONDO:0014288, OMIM 615636.

Submission:

Labcorp Genetics (formerly Invitae), Labcorp
Classification: Uncertain significance for Joubert syndrome 21. Last evaluated: 2025-09-02. Review status: criteria provided, single submitter. Criteria: Invitae Variant Classification Sherloc (09022015). Collection method: clinical testing. Allele origin: germline.
Comment: This sequence change replaces glutamic acid, which is acidic and polar, with lysine, which is basic and polar, at codon 750 of the CSPP1 protein (p.Glu750Lys). This variant is not present in population databases (gnomAD no frequency). This variant has not been reported in the literature in individuals affected with CSPP1-related conditions. ClinVar contains an entry for this variant (Variation ID: 2807764). An algorithm developed to predict the effect of missense changes on protein structure and function (PolyPhen-2) suggests that this variant is likely to be disruptive. In summary, the available evidence is currently insufficient to determine the role of this variant in disease. Therefore, it has been classified as a Variant of Uncertain Significance.

NM_001382391.1(CSPP1):c.2263G>A (p.Glu755Lys)

Gene: CSPP1 (centrosome and spindle pole associated protein 1; plus strand). Cytogenetic location: 8q13.2.
Variant type: single nucleotide variant.
Coding change: c.2263G>A on transcript NM_001382391.1 (MANE Select); coding-DNA position 2263, G replaced by A.
Protein change: p.Glu755Lys; replaces glutamic acid 755 with lysine.
Molecular consequence: missense variant.
Genome position (GRCh38, 1-based): chr8:67,158,468, G>A. VCF-style: chr8-67158468-G-A. GRCh37 (hg19) VCF-style: chr8-68070703-G-A.
Other names: c.1213G>A, p.Glu405Lys (NM_001291339.2); c.2182G>A, p.Glu728Lys (NM_001363131.2); c.2068G>A, p.Glu690Lys (NM_001363132.2); c.1987G>A, p.Glu663Lys (NM_001363133.2); c.2329G>A, p.Glu777Lys (NM_001364869.1); c.2149G>A, p.Glu717Lys (NM_001364870.1); c.2248G>A, p.Glu750Lys (NM_024790.7); short protein forms E750K, E405K, E728K, E777K, E663K, E690K, E717K, E755K.
Identifiers: ClinVar variation 2807764 (VCV002807764.3), dbSNP rs2489678754, ClinGen allele CA371188393.
Genomic context (GRCh38, chr8:67,158,468, plus strand): 5'-ATAGTTTTACAAGATAAATAACTAAGTTTAATTCTTTAGATTGAGGAAAAGAAACAAAGA[G>A]AGGAAGCAGAGCGAGAGAGACTGAGAATTGCAGAAGAAAAAGAAGAAAGACGGCTTGCAG-3'
Protein context (NP_001369320.1, residues 745-765): RFQIEEKKQR[Glu755Lys]EAERERLRIA